The following is an entry in ClinVar:

ClinVar aggregate classification (germline): Uncertain significance (1 of 4 stars; one submission).

Submission:

Labcorp Genetics (formerly Invitae), Labcorp
Classification: Uncertain significance. Last evaluated: 2023-08-17. Review status: criteria provided, single submitter. Criteria: Invitae Variant Classification Sherloc (09022015). Collection method: clinical testing. Allele origin: germline.
Comment: In summary, the available evidence is currently insufficient to determine the role of this variant in disease. Therefore, it has been classified as a Variant of Uncertain Significance. ClinVar contains an entry for this variant (Variation ID: 2025010). This variant has not been reported in the literature in individuals affected with SOX11-related conditions. This variant is not present in population databases (gnomAD no frequency). This sequence change creates a premature translational stop signal (p.Asn76Cysfs*17) in the SOX11 gene. While this is not anticipated to result in nonsense mediated decay, it is expected to disrupt the last 366 amino acid(s) of the SOX11 protein.

NM_003108.4(SOX11):c.224_225insTTGCA (p.Asn76fs)

Gene: SOX11 (SRY-box transcription factor 11; plus strand). Cytogenetic location: 2p25.2.
Variant type: Insertion.
Coding change: c.224_225insTTGCA on transcript NM_003108.4 (MANE Select); coding-DNA positions 224 to 225, TTGCA inserted.
Protein change: p.Asn76fs; shifts the reading frame from asparagine 76.
Molecular consequence: frameshift variant.
Genome position: GRCh38 VCF-style: chr2-5692941-A-ATGCAT. GRCh37 (hg19) VCF-style: chr2-5833073-A-ATGCAT.
Other names: short protein forms N76fs.
Identifiers: ClinVar variation 2025010 (VCV002025010.4), dbSNP rs2465087445, ClinGen allele CA2580066137.
Genomic context (GRCh38, chr2:5,692,941, plus strand): 5'-AACGCGTTCATGGTATGGTCCAAGATCGAACGCAGGAAGATCATGGAGCAGTCTCCGGAC[A>ATGCAT]TGCACAACGCCGAGATCTCCAAGAGGCTGGGCAAGCGCTGGAAAATGCTGAAGGACAGCG-3'